The following is an entry in ClinVar:

ClinVar aggregate classification (germline): Pathogenic (1 of 4 stars; one submission).

Submission:

Labcorp Genetics (formerly Invitae), Labcorp
Classification: Pathogenic. Last evaluated: 2019-11-11. Review status: criteria provided, single submitter. Criteria: Invitae Variant Classification Sherloc (09022015). Collection method: clinical testing. Allele origin: germline.
Comment: For these reasons, this variant has been classified as Pathogenic. Loss-of-function variants in COL4A4 are known to be pathogenic (PMID: 19129241, 21196518, 24052634, 24522496, 24854265, 25307543, 26809805, 27281700). This variant has not been reported in the literature in individuals with COL4A4-related conditions. This variant is a gross deletion of the genomic region encompassing exons 1-3 of the COL4A4 gene, which includes the initiator codon. The 5' end of this event is unknown as it extends beyond the assayed region for this gene and therefore may encompass additional genes. The 3' boundary is likely confined to intron 3 of the COL4A4 gene. This is expected to result in an absent or disrupted protein product.

Literature cited by the submitters: PubMed 19129241; PubMed 21196518; PubMed 24052634; PubMed 24522496; PubMed 24854265; PubMed 25307543; PubMed 26809805; PubMed 27281700.

NC_000002.12:g.(?_227144506)_(227164823_?)del

Genes: COL4A4 (collagen type IV alpha 4 chain; minus strand), COL4A3 (collagen type IV alpha 3 chain; plus strand). Cytogenetic location: 2q36.3.
Variant type: Deletion.
Identifiers: ClinVar variation 831776 (VCV000831776.3).